The following is an entry in ClinVar:

NM_001005242.3(PKP2):c.1674G>T (p.Lys558Asn)

Gene: PKP2 (plakophilin 2; minus strand). Cytogenetic location: 12p11.21.
Variant type: single nucleotide variant.
Coding change: c.1674G>T on transcript NM_001005242.3 (MANE Select); coding-DNA position 1674, G replaced by T.
Protein change: p.Lys558Asn; replaces lysine 558 with asparagine.
Molecular consequence: missense variant.
Genome position (GRCh38, 1-based): chr12:32,824,045, C>A on the plus strand (G>T on the coding strand, the complement: PKP2 is on the minus strand). VCF-style: chr12-32824045-C-A. GRCh37 (hg19) VCF-style: chr12-32976979-C-A.
Other names: c.1806G>T, p.Lys602Asn (NM_004572.4); short protein forms K602N, K558N.
Identifiers: ClinVar variation 921406 (VCV000921406.3), dbSNP rs1956408431, ClinGen allele CA384364400.
Genomic context (GRCh38, chr12:32,824,045, plus strand): 5'-CTTAAGAATATTCTGAAGCATCTTAGTAAGACAAAACAGGATATTTATCTCTTGAATTAC[C>A]TTGTCATCTGGCTGGTAATCTGCAATGGTTCCTCTGACATAATGGACCAGTGAGTCAATG-3'
Protein context (NP_001005242.2, residues 548-568): GTIADYQPDD[Lys558Asn]ATENCVCILH

ClinVar aggregate classification (germline): Uncertain significance (1 of 4 stars; one submission).

Conditions:
Cardiomyopathy (CMYO). Also called: Cardiomyopathies. Identifiers: Orphanet 167848, MedGen C0878544, MONDO:0004994, HP:0001638. Inheritance: Various modes of inheritance.

Submission:

Color Diagnostics, LLC DBA Color Health
Classification: Uncertain significance for Cardiomyopathy. Last evaluated: 2020-02-06. Review status: criteria provided, single submitter. Criteria: ACMG Guidelines, 2015. Collection method: clinical testing. Allele origin: germline.
Comment: This variant causes a G>T nucleotide substitution at the last nucleotide of exon 9 of the PKP2 gene and replaces lysine with asparagine at codon 602 of the PKP2 protein. Computational prediction is inconclusive regarding the impact of this variant on protein structure and function (internally defined REVEL score threshold 0.5 < inconclusive < 0.7, PMID: 27666373). Splice site prediction tools suggest that this variant may have a significant impact on RNA splicing, however, this prediction has not been confirmed in published RNA studies. To our knowledge, functional studies have not been performed for this variant. This variant has not been reported in individuals affected with cardiovascular disorders in the literature. This variant has not been identified in the general population by the Genome Aggregation Database (gnomAD). The available evidence is insufficient to determine the role of this variant in disease conclusively. Therefore, this variant is classified as a Variant of Uncertain Significance.